The following is an entry in ClinVar:

ClinVar aggregate classification (germline): Benign/Likely benign. Review status: criteria provided, multiple submitters, no conflicts (2 of 4 stars). 8 submissions from 8 submitters: Benign (1); Likely benign (6). 1 of the submissions does not count toward it. Last evaluated 2026-05-21.

Conditions:
NF1-related disorder. Also called: NF1-related condition. Identifiers: MedGen CN379171.
Hereditary cancer-predisposing syndrome. Also called: Tumor predisposition; Hereditary neoplastic syndrome; Neoplastic Syndromes, Hereditary; Hereditary Cancer Syndrome. Identifiers: Orphanet 140162, MedGen C0027672, MeSH D009386, MONDO:0015356.
Neurofibromatosis, familial spinal (FSNF). Identifiers: Orphanet 636, MedGen C1834235, MONDO:0008078, OMIM 162210. Disease mechanism: loss of function.
Neurofibromatosis, type 1 (NF1). Also called: Neurofibromatosis, type I; NEUROFIBROMATOSIS, TYPE I, SOMATIC; VON RECKLINGHAUSEN DISEASE; Peripheral type neurofibromatosis. Identifiers: Orphanet 636, MedGen C0027831, MONDO:0018975, OMIM 162200. Disease mechanism: loss of function.

Allele frequency attached by ClinVar (database versions not stated): ExAC 0.00005; ESP Exome Variant Server 0.00008; TOPMed 0.00004; gnomAD exomes 0.00002 and 0.00001; gnomAD 0.00005.
gnomAD v4.1: 31 of 1,614,046 alleles (0.0019%); highest among the groups gnomAD compares: Non-Finnish European, 0.0019%; no homozygotes.

Submissions (8):

Myriad Genetics, Inc.
Classification: Benign for Neurofibromatosis, type 1. Last evaluated: 2026-05-21. Review status: criteria provided, single submitter. Criteria: Myriad Autosomal Dominant, Autosomal Recessive and X-Linked Classification Criteria (2023). Collection method: clinical testing. Allele origin: unknown.
Comment: This variant is considered benign. This variant is a silent/synonymous amino acid change and it is not expected to impact splicing.

Labcorp Genetics (formerly Invitae), Labcorp
Classification: Likely benign for Neurofibromatosis, type 1. Last evaluated: 2026-01-01. Review status: criteria provided, single submitter. Criteria: Invitae Variant Classification Sherloc (09022015). Collection method: clinical testing. Allele origin: germline.

KCCC/NGS Laboratory, Kuwait Cancer Control Center
Classification: Likely benign for Neurofibromatosis, familial spinal. Last evaluated: 2023-07-07. Review status: criteria provided, single submitter. Criteria: ACMG Guidelines, 2015. Collection method: clinical testing. Allele origin: germline. Affected: yes.

Genome-Nilou Lab
Classification: Likely benign for Neurofibromatosis, type 1. Last evaluated: 2022-03-15. Review status: criteria provided, single submitter. Criteria: ACMG Guidelines, 2015. Collection method: clinical testing. Allele origin: germline. Affected: no.

GeneDx
Classification: Likely benign. Last evaluated: 2021-06-17. Review status: criteria provided, single submitter. Criteria: GeneDx Variant Classification Process June 2021. Collection method: clinical testing. Allele origin: germline. Affected: yes.

ARUP Laboratories, Molecular Genetics and Genomics, ARUP Laboratories
Classification: Likely benign. Last evaluated: 2020-12-23. Review status: criteria provided, single submitter. Criteria: ARUP Molecular Germline Variant Investigation Process 2021. Collection method: clinical testing. Allele origin: germline.

Ambry Genetics
Classification: Likely benign for Hereditary cancer-predisposing syndrome. Last evaluated: 2014-07-16. Review status: criteria provided, single submitter. Criteria: Ambry Autosomal Dominant and X-Linked criteria (10/2015). Collection method: clinical testing. Allele origin: germline. Observed: 1 variant allele.

PreventionGenetics, part of Exact Sciences
Classification: Likely benign for NF1-related condition. Last evaluated: 2024-08-24. Review status: no assertion criteria provided. Collection method: clinical testing. Allele origin: germline. Not counted in ClinVar's aggregate classification.
Comment: This variant is classified as likely benign based on ACMG/AMP sequence variant interpretation guidelines (Richards et al. 2015 PMID: 25741868, with internal and published modifications).

NM_001042492.3(NF1):c.6528T>C (p.Ile2176=)

Gene: NF1 (neurofibromin 1; plus strand). Cytogenetic location: 17q11.2.
Variant type: single nucleotide variant.
Coding change: c.6528T>C on transcript NM_001042492.3 (MANE Select); coding-DNA position 6528, T replaced by C.
Protein change: p.Ile2176=; no amino-acid change (isoleucine 2176 retained).
Molecular consequence: synonymous variant.
Genome position (GRCh38, 1-based): chr17:31,337,468, T>C. VCF-style: chr17-31337468-T-C. GRCh37 (hg19) VCF-style: chr17-29664486-T-C.
Other names: c.6465T>C, p.Ile2155= (NM_000267.4).
Identifiers: ClinVar variation 184643 (VCV000184643.23), dbSNP rs147522129, ClinGen allele CA189549.